The following is an entry in ClinVar:

NM_000388.4(CASR):c.2957C>A (p.Ala986Asp)

Gene: CASR (calcium sensing receptor; plus strand). Cytogenetic location: 3q21.1.
Variant type: single nucleotide variant.
Coding change: c.2957C>A on transcript NM_000388.4 (MANE Select); coding-DNA position 2957, C replaced by A.
Protein change: p.Ala986Asp; replaces alanine 986 with aspartic acid.
Molecular consequence: missense variant.
Genome position (GRCh38, 1-based): chr3:122,284,911, C>A. VCF-style: chr3-122284911-C-A. GRCh37 (hg19) VCF-style: chr3-122003758-C-A.
Other names: c.2987C>A, p.Ala996Asp (NM_001178065.2); short protein forms A986D, A996D.
Identifiers: ClinVar variation 1368295 (VCV001368295.8), dbSNP rs1268409560, ClinGen allele CA354161142.

ClinVar aggregate classification (germline): Uncertain significance (1 of 4 stars; one submission).

Conditions:
Familial hypocalciuric hypercalcemia (FHH). Also called: Familial benign hypercalcemia. Identifiers: Orphanet 405, MedGen C1809471, MONDO:0018458.
Autosomal dominant hypocalcemia 1 (HYPOC1). Also called: HYPOCALCEMIA, FAMILIAL. Identifiers: MedGen C3715128, MONDO:0011013, OMIM 601198.

Submission:

Labcorp Genetics (formerly Invitae), Labcorp
Classification: Uncertain significance for Familial hypocalciuric hypercalcemia; Autosomal dominant hypocalcemia 1. Last evaluated: 2021-01-31. Review status: criteria provided, single submitter. Criteria: Invitae Variant Classification Sherloc (09022015). Collection method: clinical testing. Allele origin: germline.
Comment: In summary, the available evidence is currently insufficient to determine the role of this variant in disease. Therefore, it has been classified as a Variant of Uncertain Significance. Algorithms developed to predict the effect of missense changes on protein structure and function are either unavailable or do not agree on the potential impact of this missense change (SIFT: "Deleterious"; PolyPhen-2: "Benign"; Align-GVGD: "Class C0"). This variant has not been reported in the literature in individuals with CASR-related conditions. This variant is not present in population databases (ExAC no frequency). This sequence change replaces alanine with aspartic acid at codon 986 of the CASR protein (p.Ala986Asp). The alanine residue is highly conserved and there is a moderate physicochemical difference between alanine and aspartic acid.